The following is an entry in ClinVar:

ClinVar aggregate classification (germline): Uncertain significance. Review status: criteria provided, multiple submitters, no conflicts (2 of 4 stars). 2 submissions from 2 submitters: Uncertain significance (2). Last evaluated 2025-06-16.

Allele frequency attached by ClinVar (database versions not stated): gnomAD 0.00001; TOPMed 0.00002.
gnomAD v4.1: 49 of 1,611,108 alleles (0.003%); highest among the groups gnomAD compares: Middle Eastern, 0.043%; no homozygotes.

Submissions (2):

GeneDx
Classification: Uncertain significance. Last evaluated: 2025-06-16. Review status: criteria provided, single submitter. Criteria: GeneDx Variant Classification Process June 2021. Collection method: clinical testing. Allele origin: germline. Affected: yes.
Comment: In silico analysis suggests that this missense variant does not alter protein structure/function; Has not been previously published as pathogenic or benign to our knowledge

Blueprint Genetics
Classification: Uncertain significance. Last evaluated: 2024-09-16. Review status: criteria provided, single submitter. Criteria: ACMG Guidelines, 2015. Collection method: clinical testing. Allele origin: germline.

NM_001039141.3(TRIOBP):c.6161G>A (p.Arg2054His)

Gene: TRIOBP (TRIO and F-actin binding protein; plus strand). Cytogenetic location: 22q13.1.
Variant type: single nucleotide variant.
Coding change: c.6161G>A on transcript NM_001039141.3 (MANE Select); coding-DNA position 6161, G replaced by A.
Protein change: p.Arg2054His; replaces arginine 2054 with histidine.
Molecular consequence: missense variant.
Genome position (GRCh38, 1-based): chr22:37,758,086, G>A. VCF-style: chr22-37758086-G-A. GRCh37 (hg19) VCF-style: chr22-38154093-G-A.
Other names: c.1022G>A, p.Arg341His (NM_007032.5, NM_138632.2); short protein forms R2054H, R341H.
Identifiers: ClinVar variation 1695710 (VCV001695710.4), dbSNP rs765284417, ClinGen allele CA10224886.